The following is an entry in ClinVar:

ClinVar aggregate classification (germline): Likely pathogenic (1 of 4 stars; one submission).

Conditions:
Intellectual developmental disorder with speech delay, dysmorphic facies, and t-cell abnormalities. Also called: BCL11B-related BAFopathy. Identifiers: Orphanet 662829, MedGen C4748152, MONDO:0060763, OMIM 618092.

Submission:

Institute of Human Genetics, University of Leipzig Medical Center
Classification: Likely pathogenic for Intellectual developmental disorder with speech delay, dysmorphic facies, and t-cell abnormalities. Last evaluated: 2026-06-15. Review status: criteria provided, single submitter. Criteria: ACMG Guidelines, 2015. Collection method: clinical testing. Allele origin: de novo. Inheritance: Autosomal dominant inheritance. Affected: yes.
Comment: Criteria applied: PVS1_STR,PM2,PS2_MOD

NM_138576.4(BCL11B):c.1616del (p.Glu539fs)

Gene: BCL11B (BCL11 transcription factor B; minus strand). Cytogenetic location: 14q32.2.
Variant type: Deletion.
Coding change: c.1616del on transcript NM_138576.4 (MANE Select); coding-DNA position 1616, one base deleted (A; older notation c.1616delA).
Protein change: p.Glu539fs; shifts the reading frame from glutamic acid 539.
Molecular consequence: frameshift variant.
Genome position (GRCh38, 1-based): chr14:99,175,220, T deleted on the plus strand (A on the coding strand, the reverse complement: BCL11B is on the minus strand). VCF-style (leftmost placement, unchanged base first): chr14-99175219-CT-C. GRCh37 (hg19) VCF-style: chr14-99641556-CT-C.
Other names: c.1613del, p.Glu538fs (NM_001282237.2); c.1400del, p.Glu467fs (NM_001282238.2); c.1403del, p.Glu468fs (NM_022898.3); short protein forms E467fs, E468fs, E538fs, E539fs.
Identifiers: ClinVar variation 4879400 (VCV004879400.2).